The following is an entry in ClinVar:

ClinVar aggregate classification (germline): Likely pathogenic (1 of 4 stars; one submission).

Conditions:
Jeune thoracic dystrophy. Also called: Jeune syndrome; Infantile thoracic dystrophy; Thoracic pelvic phalangeal dystrophy; Jeune's syndrome; Chondroectodermal dysplasia-like syndrome; Short-rib thoracic dysplasia. Identifiers: Orphanet 474, MedGen C0265275, MONDO:0018770.

Allele frequency attached by ClinVar (database versions not stated): gnomAD 0.00001; TOPMed 0.00001; ESP Exome Variant Server 0.00017.

Submission:

Labcorp Genetics (formerly Invitae), Labcorp
Classification: Likely pathogenic for Jeune thoracic dystrophy. Last evaluated: 2023-03-17. Review status: criteria provided, single submitter. Criteria: Invitae Variant Classification Sherloc (09022015). Collection method: clinical testing. Allele origin: germline.
Comment: This sequence change affects an acceptor splice site in intron 84 of the DYNC2H1 gene. It is expected to disrupt RNA splicing. Variants that disrupt the donor or acceptor splice site typically lead to a loss of protein function (PMID: 16199547), and loss-of-function variants in DYNC2H1 are known to be pathogenic (PMID: 23339108, 32753734). The frequency data for this variant in the population databases is considered unreliable, as metrics indicate poor data quality at this position in the gnomAD database. This variant has not been reported in the literature in individuals affected with DYNC2H1-related conditions. Algorithms developed to predict the effect of sequence changes on RNA splicing suggest that this variant may disrupt the consensus splice site. In summary, the currently available evidence indicates that the variant is pathogenic, but additional data are needed to prove that conclusively. Therefore, this variant has been classified as Likely Pathogenic.

Literature cited by the submitters: PubMed 16199547; PubMed 23339108; PubMed 32753734.

NM_001377.3(DYNC2H1):c.12157-2A>G

Gene: DYNC2H1 (dynein cytoplasmic 2 heavy chain 1; plus strand). Cytogenetic location: 11q22.3.
Variant type: single nucleotide variant.
Coding change: c.12157-2A>G on transcript NM_001377.3 (MANE Select); the canonical splice acceptor site of the intron before coding-DNA position 12157, A replaced by G.
Molecular consequence: splice acceptor variant.
Genome position (GRCh38, 1-based): chr11:103,399,661, A>G. VCF-style: chr11-103399661-A-G. GRCh37 (hg19) VCF-style: chr11-103270389-A-G.
Other names: c.12178-2A>G (NM_001080463.2).
Identifiers: ClinVar variation 2809331 (VCV002809331.3), dbSNP rs371963928, ClinGen allele CA227446859.